The following is an entry in ClinVar:

ClinVar aggregate classification (germline): Uncertain significance. Review status: criteria provided, multiple submitters, no conflicts (2 of 4 stars). 2 submissions from 2 submitters: Uncertain significance (2). Last evaluated 2025-10-07.

Conditions:
Inborn genetic diseases. Identifiers: MedGen C0950123, MeSH D030342.
Trichorhinophalangeal dysplasia type I (TRPS1). Also called: TRICHORHINOPHALANGEAL SYNDROME, TYPE I; TRPS I. Identifiers: Orphanet 77258, MedGen C0432233, MONDO:0008596, OMIM 190350.
Trichorhinophalangeal syndrome, type III (TRPS3). Also called: SUGIO-KAJII SYNDROME. Identifiers: Orphanet 77258, MedGen C1860823, OMIM 190351, MONDO:0008597.

Allele frequency attached by ClinVar (database versions not stated): gnomAD 0.00001; gnomAD exomes 0.00002; TOPMed 0.00002.
gnomAD v4.1: 28 of 1,614,062 alleles (0.0017%); highest among the groups gnomAD compares: Non-Finnish European, 0.0024%; no homozygotes.

Submissions (2):

Labcorp Genetics (formerly Invitae), Labcorp
Classification: Uncertain significance for Trichorhinophalangeal syndrome, type III; Trichorhinophalangeal dysplasia type I. Last evaluated: 2025-10-07. Review status: criteria provided, single submitter. Criteria: Invitae Variant Classification Sherloc (09022015). Collection method: clinical testing. Allele origin: germline.
Comment: This sequence change replaces isoleucine, which is neutral and non-polar, with leucine, which is neutral and non-polar, at codon 746 of the TRPS1 protein (p.Ile746Leu). This variant is present in population databases (no rsID available, gnomAD 0.003%). This variant has not been reported in the literature in individuals affected with TRPS1-related conditions. ClinVar contains an entry for this variant (Variation ID: 2321554). Invitae Evidence Modeling of protein sequence and biophysical properties (such as structural, functional, and spatial information, amino acid conservation, physicochemical variation, residue mobility, and thermodynamic stability) indicates that this missense variant is not expected to disrupt TRPS1 protein function with a negative predictive value of 80%. In summary, the available evidence is currently insufficient to determine the role of this variant in disease. Therefore, it has been classified as a Variant of Uncertain Significance.

Ambry Genetics
Classification: Uncertain significance for Inborn genetic diseases. Last evaluated: 2022-10-27. Review status: criteria provided, single submitter. Criteria: Ambry Variant Classification Scheme 2023. Collection method: clinical testing. Allele origin: germline.

NM_014112.5(TRPS1):c.2236A>C (p.Ile746Leu)

Gene: TRPS1 (transcriptional repressor GATA binding 1; minus strand). Cytogenetic location: 8q23.3.
Variant type: single nucleotide variant.
Coding change: c.2236A>C on transcript NM_014112.5 (MANE Select); coding-DNA position 2236, A replaced by C.
Protein change: p.Ile746Leu; replaces isoleucine 746 with leucine.
Molecular consequence: missense variant.
Genome position (GRCh38, 1-based): chr8:115,587,465, T>G on the plus strand (A>C on the coding strand, the complement: TRPS1 is on the minus strand). VCF-style: chr8-115587465-T-G. GRCh37 (hg19) VCF-style: chr8-116599692-T-G.
Other names: c.2209A>C, p.Ile737Leu (NM_001282902.3); c.2215A>C, p.Ile739Leu (NM_001282903.3); c.2197A>C, p.Ile733Leu (NM_001330599.2); short protein forms I733L, I746L, I737L, I739L.
Identifiers: ClinVar variation 2321554 (VCV002321554.5), dbSNP rs903682116, ClinGen allele CA184607766.
Genomic context (GRCh38, chr8:115,587,465, plus strand): 5'-CTGGAGTTAGCAGATTGTAGACCCTGAAGTCAATTTTGGGCTCCTCTTTGATGGTGGATA[T>G]GGCATGACCGTCCTCTTCGCCGTTGGCTGTAGTGATGTCCTGTTCCTGGCAGTGAACAGT-3'
Protein context (NP_054831.2, residues 736-756): TANGEEDGHA[Ile746Leu]STIKEEPKID